The following is an entry in ClinVar:

ClinVar aggregate classification (germline): Uncertain significance (1 of 4 stars; one submission).

Allele frequency attached by ClinVar (database versions not stated): gnomAD 0.00001; TOPMed 0.00001; gnomAD exomes 0.00002.

Submission:

Labcorp Genetics (formerly Invitae), Labcorp
Classification: Uncertain significance. Last evaluated: 2022-11-20. Review status: criteria provided, single submitter. Criteria: Invitae Variant Classification Sherloc (09022015). Collection method: clinical testing. Allele origin: germline.
Comment: In summary, the available evidence is currently insufficient to determine the role of this variant in disease. Therefore, it has been classified as a Variant of Uncertain Significance. Algorithms developed to predict the effect of missense changes on protein structure and function are either unavailable or do not agree on the potential impact of this missense change (SIFT: "Deleterious"; PolyPhen-2: "Possibly Damaging"; Align-GVGD: "Class C0"). This sequence change replaces glutamic acid, which is acidic and polar, with lysine, which is basic and polar, at codon 54 of the MCM2 protein (p.Glu54Lys). This variant is not present in population databases (gnomAD no frequency). This variant has not been reported in the literature in individuals affected with MCM2-related conditions.

NM_004526.4(MCM2):c.160G>A (p.Glu54Lys)

Gene: MCM2 (minichromosome maintenance complex component 2; plus strand). Cytogenetic location: 3q21.3.
Variant type: single nucleotide variant.
Coding change: c.160G>A on transcript NM_004526.4 (MANE Select); coding-DNA position 160, G replaced by A.
Protein change: p.Glu54Lys; replaces glutamic acid 54 with lysine.
Molecular consequence: missense variant. On other transcripts: non-coding transcript variant (1).
Genome position (GRCh38, 1-based): chr3:127,599,471, G>A. VCF-style: chr3-127599471-G-A. GRCh37 (hg19) VCF-style: chr3-127318314-G-A.
Other names: short protein forms E54K.
Identifiers: ClinVar variation 3013537 (VCV003013537.3), dbSNP rs771946607, ClinGen allele CA83303800.
Genomic context (GRCh38, chr3:127,599,471, plus strand): 5'-CGTACTGATGCCCTCACCTCCAGCCCTGGCCGTGACCTTCCACCATTTGAGGATGAGTCC[G>A]AGGGGCTCCTAGGCACAGAGGGGCCCCTGGAGGAAGAAGAGGATGGAGAGGAGCTCATTG-3'
Protein context (NP_004517.2, residues 44-64): RDLPPFEDES[Glu54Lys]GLLGTEGPLE